The following is an entry in ClinVar:

NM_025114.4(CEP290):c.5368C>T (p.Gln1790Ter)

Gene: CEP290 (centrosomal protein 290; minus strand). Cytogenetic location: 12q21.32.
Variant type: single nucleotide variant.
Coding change: c.5368C>T on transcript NM_025114.4 (MANE Select); coding-DNA position 5368, C replaced by T.
Protein change: p.Gln1790Ter; replaces glutamine 1790 with a stop codon.
Molecular consequence: nonsense.
Genome position (GRCh38, 1-based): chr12:88,077,915, G>A on the plus strand (C>T on the coding strand, the complement: CEP290 is on the minus strand). VCF-style: chr12-88077915-G-A. GRCh37 (hg19) VCF-style: chr12-88471692-G-A.
Other names: short protein forms Q1790*.
Identifiers: ClinVar variation 5005192 (VCV005005192.2).

ClinVar aggregate classification (germline): Likely pathogenic (1 of 4 stars; one submission).

Conditions:
Senior-Loken syndrome 6 (SLSN6). Identifiers: Orphanet 3156, MedGen C1857779, MONDO:0012433, OMIM 610189.
Meckel syndrome, type 4 (MKS4). Also called: MECKEL-GRUBER SYNDROME, TYPE 4. Identifiers: Orphanet 564, MedGen C1970161, MONDO:0012626, OMIM 611134.
Joubert syndrome 5 (JBTS5). Identifiers: Orphanet 2318, MedGen C1857780, MONDO:0012432, OMIM 610188.
Bardet-Biedl syndrome 14 (BBS14). Identifiers: Orphanet 110, MedGen C2673874, MONDO:0014442, OMIM 615991.
Leber congenital amaurosis 10 (LCA10). Identifiers: Orphanet 65, MedGen C1857821, MONDO:0012723, OMIM 611755.

gnomAD v4.1: 1 of 1,253,480 alleles (0.00008%); no homozygotes.

Submission:

Juno Genomics, Hangzhou Juno Genomics, Inc
Classification: Likely pathogenic for Bardet-Biedl syndrome 14; Joubert syndrome 5; Leber congenital amaurosis 10; Meckel syndrome, type 4; Senior-Loken syndrome 6. Review status: criteria provided, single submitter. Criteria: ACMG Guidelines, 2015. Collection method: clinical testing. Allele origin: germline.
Comment: Null variant in a gene where loss of function (LOF) is a known mechanism of disease.;Absent from controls (or at extremely low frequency if recessive) in Genome Aggregation Database.